The following is an entry in ClinVar:

ClinVar aggregate classification (germline): Pathogenic. Review status: criteria provided, multiple submitters, no conflicts (2 of 4 stars). 2 submissions from 2 submitters: Pathogenic (2). Last evaluated 2023-08-30.

Conditions:
Cerebral cavernous malformation (CCM). Also called: CAVERNOUS ANGIOMA, FAMILIAL; CAVERNOUS ANGIOMATOUS MALFORMATIONS; CEREBRAL CAPILLARY MALFORMATIONS; Cerebral cavernous malformations; Cerebral cavernous hemangioma (type); Cavernous Hemangioma of Brain. Identifiers: Orphanet 221061, MedGen C2919945, MONDO:0000820, OMIM 116860, HP:0033522.

Submissions (2):

Labcorp Genetics (formerly Invitae), Labcorp
Classification: Pathogenic for Cerebral cavernous malformation. Last evaluated: 2023-08-30. Review status: criteria provided, single submitter. Criteria: Invitae Variant Classification Sherloc (09022015). Collection method: clinical testing. Allele origin: germline.
Comment: For these reasons, this variant has been classified as Pathogenic. ClinVar contains an entry for this variant (Variation ID: 447673). This variant has not been reported in the literature in individuals affected with KRIT1-related conditions. This variant is not present in population databases (gnomAD no frequency). This sequence change creates a premature translational stop signal (p.Ala362Leufs*9) in the KRIT1 gene. It is expected to result in an absent or disrupted protein product. Loss-of-function variants in KRIT1 are known to be pathogenic (PMID: 10508515, 11222804, 12404106, 24689081).

Athena Diagnostics
Classification: Pathogenic. Last evaluated: 2016-08-17. Review status: criteria provided, single submitter. Criteria: Athena Diagnostics Criteria. Collection method: clinical testing. Allele origin: germline.

Literature cited by the submitters: PubMed 10508515 (cited by Labcorp Genetics (formerly Invitae), Labcorp); PubMed 11222804 (cited by Labcorp Genetics (formerly Invitae), Labcorp); PubMed 12404106 (cited by Labcorp Genetics (formerly Invitae), Labcorp); PubMed 24689081 (cited by Labcorp Genetics (formerly Invitae), Labcorp).

NM_194454.3(KRIT1):c.1084del (p.Ala362fs)

Gene: KRIT1 (KRIT1 ankyrin repeat containing; minus strand). Cytogenetic location: 7q21.2.
Variant type: Deletion.
Coding change: c.1084del on transcript NM_194454.3 (MANE Select); coding-DNA position 1084, one base deleted (G; older notation c.1084delG).
Protein change: p.Ala362fs; shifts the reading frame from alanine 362.
Molecular consequence: frameshift variant.
Genome position (GRCh38, 1-based): chr7:92,226,588, C deleted on the plus strand (G on the coding strand, the reverse complement: KRIT1 is on the minus strand). VCF-style (leftmost placement, unchanged base first): chr7-92226587-GC-G. GRCh37 (hg19) VCF-style: chr7-91855901-GC-G.
Other names: c.940del, p.Ala314fs (NM_001013406.2, NM_001350669.1, NM_001350670.1); c.370del, p.Ala124fs (NM_001350671.1); c.1084del, p.Ala362fs (NM_001350672.1, NM_001350673.1, NM_001350674.1 and 26 more transcripts); short protein forms A314fs, A362fs, A124fs.
Identifiers: ClinVar variation 447673 (VCV000447673.9), dbSNP rs1554518541, ClinGen allele CA658657688.